The following is an entry in ClinVar:

NM_007192.4(SUPT16H):c.1478del (p.Arg492_Leu493insTer)

Gene: SUPT16H (SPT16 homolog, facilitates chromatin remodeling subunit; minus strand). Cytogenetic location: 14q11.2.
Variant type: Deletion.
Coding change: c.1478del on transcript NM_007192.4 (MANE Select); coding-DNA position 1478, one base deleted (T; older notation c.1478delT).
Protein change: p.Arg492_Leu493insTer.
Molecular consequence: nonsense.
Genome position (GRCh38, 1-based): chr14:21,363,067, A deleted on the plus strand (T on the coding strand, the reverse complement: SUPT16H is on the minus strand); the first of 2 consecutive A bases (chr14:21,363,067-21,363,068); deleting either gives the same sequence. VCF-style (leftmost placement, unchanged base first): chr14-21363066-CA-C. GRCh37 (hg19) VCF-style: chr14-21831225-CA-C.
Identifiers: ClinVar variation 5017745 (VCV005017745.1).

ClinVar aggregate classification (germline): Uncertain significance (1 of 4 stars; one submission).

Submission:

GeneDx
Classification: Uncertain significance. Last evaluated: 2026-03-27. Review status: criteria provided, single submitter. Criteria: GeneDx Variant Classification Process June 2021. Collection method: clinical testing. Allele origin: germline.
Comment: Nonsense variant predicted to result in protein truncation or nonsense mediated decay in a gene or region of a gene for which loss of function is not a well-established mechanism of disease; Not observed at significant frequency in large population cohorts (gnomAD); Has not been previously published as pathogenic or benign to our knowledge